The following is an entry in ClinVar:

NM_015166.4(MLC1):c.932T>A (p.Val311Glu)

Gene: MLC1 (modulator of VRAC current 1; minus strand). Cytogenetic location: 22q13.33.
Variant type: single nucleotide variant.
Coding change: c.932T>A on transcript NM_015166.4 (MANE Select); coding-DNA position 932, T replaced by A.
Protein change: p.Val311Glu; replaces valine 311 with glutamic acid.
Molecular consequence: missense variant. On other transcripts: non-coding transcript variant (3).
Genome position (GRCh38, 1-based): chr22:50,064,161, A>T on the plus strand (T>A on the coding strand, the complement: MLC1 is on the minus strand). VCF-style: chr22-50064161-A-T. GRCh37 (hg19) VCF-style: chr22-50502590-A-T.
Other names: p.Val311Glu; c.932T>A, p.Val311Glu (NM_001376472.1, NM_001376473.1, NM_001376474.1 and 5 more transcripts); c.875T>A, p.Val292Glu (NM_001376479.1); c.842T>A, p.Val281Glu (NM_001376480.1); c.830T>A, p.Val277Glu (NM_001376481.1); c.776T>A, p.Val259Glu (NM_001376482.1, NM_001376483.1); c.695T>A, p.Val232Glu (NM_001376484.1); short protein forms V311E, V232E, V259E, V277E, V281E, V292E.
Identifiers: ClinVar variation 262462 (VCV000262462.18), dbSNP rs141225099, ClinGen allele CA10303291.

ClinVar aggregate classification (germline): Benign/Likely benign. Review status: criteria provided, multiple submitters, no conflicts (2 of 4 stars). 5 submissions from 5 submitters: Benign (4); Likely benign (1). Last evaluated 2026-02-04.

Conditions:
Megalencephalic leukoencephalopathy with subcortical cysts 1 (MLC1). Also called: VACUOLATING MEGALENCEPHALIC LEUKOENCEPHALOPATHY WITH SUBCORTICAL CYSTS; LEUKOENCEPHALOPATHY WITH SWELLING AND CYSTS. Identifiers: Orphanet 2478, MedGen C5779875, MONDO:0024555, OMIM 604004.

Allele frequency attached by ClinVar (database versions not stated): TOPMed 0.00659; gnomAD exomes 0.00149; ExAC 0.00206; gnomAD 0.00584 and 0.00622; 1000 Genomes Project 0.00958; 1000 Genomes Project 30x 0.01077; ESP Exome Variant Server 0.00670.
gnomAD v4.1: 1,660 of 1,606,162 alleles (0.1%); highest among the groups gnomAD compares: African/African-American, 2%; 21 homozygotes.

Submissions (5):

Labcorp Genetics (formerly Invitae), Labcorp
Classification: Benign. Last evaluated: 2026-02-04. Review status: criteria provided, single submitter. Criteria: Invitae Variant Classification Sherloc (09022015). Collection method: clinical testing. Allele origin: germline.

Mayo Clinic Laboratories, Mayo Clinic
Classification: Benign. Last evaluated: 2023-02-01. Review status: criteria provided, single submitter. Criteria: ACMG Guidelines, 2015. Collection method: clinical testing. Allele origin: germline. Observed: 3 variant alleles.
Comment: BS1, BS2, BP4

Fulgent Genetics
Classification: Likely benign for Megalencephalic leukoencephalopathy with subcortical cysts 1. Last evaluated: 2021-10-13. Review status: criteria provided, single submitter. Criteria: ACMG Guidelines, 2015. Collection method: clinical testing. Allele origin: unknown.

Illumina Laboratory Services, Illumina
Classification: Benign for Megalencephalic leukoencephalopathy with subcortical cysts 1. Last evaluated: 2018-01-13. Review status: criteria provided, single submitter. Criteria: ICSL Variant Classification Criteria 13 December 2019. Collection method: clinical testing. Allele origin: germline.
Comment: This variant was observed in the ICSL laboratory as part of a predisposition screen in an ostensibly healthy population. It had not been previously curated by ICSL or reported in the Human Gene Mutation Database (HGMD: prior to June 1st, 2018), and was therefore a candidate for classification through an automated scoring system. Utilizing variant allele frequency, disease prevalence and penetrance estimates, and inheritance mode, an automated score was calculated to assess if this variant is too frequent to cause the disease. Based on the score and internal cut-off values, a variant classified as benign is not then subjected to further curation. The score for this variant resulted in a classification of benign for this disease.

PreventionGenetics, part of Exact Sciences
Classification: Benign. Review status: criteria provided, single submitter. Criteria: ACMG Guidelines, 2015. Collection method: clinical testing. Allele origin: germline.